The following is an entry in ClinVar:

ClinVar aggregate classification (germline): Uncertain significance (1 of 4 stars; one submission).

Allele frequency attached by ClinVar (database versions not stated): TOPMed 0.00001; gnomAD 0.00003.
gnomAD v4.1: 5 of 1,560,886 alleles (0.00032%); highest among the groups gnomAD compares: African/African-American, 0.0054%; no homozygotes.

Submission:

Labcorp Genetics (formerly Invitae), Labcorp
Classification: Uncertain significance. Last evaluated: 2024-09-23. Review status: criteria provided, single submitter. Criteria: Invitae Variant Classification Sherloc (09022015). Collection method: clinical testing. Allele origin: germline.
Comment: This sequence change replaces threonine, which is neutral and polar, with isoleucine, which is neutral and non-polar, at codon 692 of the PNPT1 protein (p.Thr692Ile). This variant is present in population databases (no rsID available, gnomAD 0.02%). This variant has not been reported in the literature in individuals affected with PNPT1-related conditions. ClinVar contains an entry for this variant (Variation ID: 1509530). Invitae Evidence Modeling of protein sequence and biophysical properties (such as structural, functional, and spatial information, amino acid conservation, physicochemical variation, residue mobility, and thermodynamic stability) indicates that this missense variant is not expected to disrupt PNPT1 protein function with a negative predictive value of 80%. In summary, the available evidence is currently insufficient to determine the role of this variant in disease. Therefore, it has been classified as a Variant of Uncertain Significance.

NM_033109.5(PNPT1):c.2075C>T (p.Thr692Ile)

Gene: PNPT1 (polyribonucleotide nucleotidyltransferase 1; minus strand). Cytogenetic location: 2p16.1.
Variant type: single nucleotide variant.
Coding change: c.2075C>T on transcript NM_033109.5 (MANE Select); coding-DNA position 2075, C replaced by T.
Protein change: p.Thr692Ile; replaces threonine 692 with isoleucine.
Molecular consequence: missense variant.
Genome position (GRCh38, 1-based): chr2:55,640,700, G>A on the plus strand (C>T on the coding strand, the complement: PNPT1 is on the minus strand). VCF-style: chr2-55640700-G-A. GRCh37 (hg19) VCF-style: chr2-55867835-G-A.
Other names: short protein forms T692I.
Identifiers: ClinVar variation 1509530 (VCV001509530.8), dbSNP rs1012368621, ClinGen allele CA47649139.